The following is an entry in ClinVar:

NM_001353694.2(TIAM1):c.2177C>T (p.Ser726Phe)

Gene: TIAM1 (TIAM Rac1 associated GEF 1; minus strand). Cytogenetic location: 21q22.11.
Variant type: single nucleotide variant.
Coding change: c.2177C>T on transcript NM_001353694.2 (MANE Select); coding-DNA position 2177, C replaced by T.
Protein change: p.Ser726Phe; replaces serine 726 with phenylalanine.
Molecular consequence: missense variant. On other transcripts: intron variant (1).
Genome position (GRCh38, 1-based): chr21:31,213,438, G>A on the plus strand (C>T on the coding strand, the complement: TIAM1 is on the minus strand). VCF-style: chr21-31213438-G-A. GRCh37 (hg19) VCF-style: chr21-32585754-G-A.
Other names: c.2177C>T, p.Ser726Phe (NM_001353686.2, NM_001353688.1, NM_001353689.1 and 5 more transcripts); c.2143-3223C>T (NM_001353687.2); short protein forms S726F.
Identifiers: ClinVar variation 3603174 (VCV003603174.1).
Genomic context (GRCh38, chr21:31,213,438, plus strand): 5'-AAACACACGTTTATTTTTACCTTGCCATCTGGAACAATGTCATCAAATATTCCCTCTAAA[G>A]ATTTCTTTACAGCTTCGGTTCCCTCTCCAAACACCTGCATATACAAAAGTACCACCTTAA-3'
Protein context (NP_001340623.1, residues 716-736): FGEGTEAVKK[Ser726Phe]LEGIFDDIVP

ClinVar aggregate classification (germline): Uncertain significance (1 of 4 stars; one submission).

Submission:

GeneDx
Classification: Uncertain significance. Last evaluated: 2024-08-08. Review status: criteria provided, single submitter. Criteria: GeneDx Variant Classification Process June 2021. Collection method: clinical testing. Allele origin: germline. Affected: yes.
Comment: Not observed at significant frequency in large population cohorts (gnomAD); In silico analysis indicates that this missense variant does not alter protein structure/function; Has not been previously published as pathogenic or benign to our knowledge